The following is an entry in ClinVar:

ClinVar aggregate classification (germline): Uncertain significance. Review status: criteria provided, multiple submitters, no conflicts (2 of 4 stars). 2 submissions from 2 submitters: Uncertain significance (2). Last evaluated 2021-07-13.

Conditions:
Loeys-Dietz syndrome 4 (LDS4). Also called: ANEURYSM, AORTIC AND CEREBRAL, WITH ARTERIAL TORTUOSITY AND SKELETAL MANIFESTATIONS; TGFB2-Related Loeys-Dietz Syndrome. Identifiers: MedGen C3553762, MONDO:0013897, OMIM 614816.

Submissions (2):

Fulgent Genetics
Classification: Uncertain significance for Loeys-Dietz syndrome 4. Last evaluated: 2021-07-13. Review status: criteria provided, single submitter. Criteria: ACMG Guidelines, 2015. Collection method: clinical testing. Allele origin: unknown.

Labcorp Genetics (formerly Invitae), Labcorp
Classification: Uncertain significance for Loeys-Dietz syndrome 4. Last evaluated: 2020-06-23. Review status: criteria provided, single submitter. Criteria: Invitae Variant Classification Sherloc (09022015). Collection method: clinical testing. Allele origin: germline.
Comment: Algorithms developed to predict the effect of missense changes on protein structure and function (SIFT, PolyPhen-2, Align-GVGD) all suggest that this variant is likely to be tolerated, but these predictions have not been confirmed by published functional studies and their clinical significance is uncertain. In summary, the available evidence is currently insufficient to determine the role of this variant in disease. Therefore, it has been classified as a Variant of Uncertain Significance. This variant has not been reported in the literature in individuals with TGFB2-related conditions. This variant is not present in population databases (ExAC no frequency). This sequence change replaces serine with threonine at codon 7 of the TGFB2 protein (p.Ser7Thr). The serine residue is moderately conserved and there is a small physicochemical difference between serine and threonine.

NM_003238.6(TGFB2):c.20G>C (p.Ser7Thr)

Gene: TGFB2 (transforming growth factor beta 2; plus strand). Cytogenetic location: 1q41.
Variant type: single nucleotide variant.
Coding change: c.20G>C on transcript NM_003238.6 (MANE Select); coding-DNA position 20, G replaced by C.
Protein change: p.Ser7Thr; replaces serine 7 with threonine.
Molecular consequence: missense variant. On other transcripts: non-coding transcript variant (2).
Genome position (GRCh38, 1-based): chr1:218,346,721, G>C. VCF-style: chr1-218346721-G-C. GRCh37 (hg19) VCF-style: chr1-218520063-G-C.
Other names: c.20G>C, p.Ser7Thr (NM_001135599.4); short protein forms S7T.
Identifiers: ClinVar variation 1010166 (VCV001010166.50), dbSNP rs765477784, ClinGen allele CA344725111.